The following is an entry in ClinVar:

NM_000494.4(COL17A1):c.2268A>C (p.Glu756Asp)

Gene: COL17A1 (collagen type XVII alpha 1 chain; minus strand). Cytogenetic location: 10q25.1.
Variant type: single nucleotide variant.
Coding change: c.2268A>C on transcript NM_000494.4 (MANE Select); coding-DNA position 2268, A replaced by C.
Protein change: p.Glu756Asp; replaces glutamic acid 756 with aspartic acid.
Molecular consequence: missense variant.
Genome position (GRCh38, 1-based): chr10:104,047,806, T>G on the plus strand (A>C on the coding strand, the complement: COL17A1 is on the minus strand). VCF-style: chr10-104047806-T-G. GRCh37 (hg19) VCF-style: chr10-105807564-T-G.
Other names: short protein forms E756D.
Identifiers: ClinVar variation 3147293 (VCV003147293.2), dbSNP rs200054554, ClinGen allele CA212472457.

ClinVar aggregate classification (germline): Uncertain significance (1 of 4 stars; one submission).

Conditions:
Inborn genetic diseases. Identifiers: MedGen C0950123, MeSH D030342.

Allele frequency attached by ClinVar (database versions not stated): gnomAD exomes 0.00001; gnomAD 0.00003; TOPMed 0.00007; 1000 Genomes Project 30x 0.00016; 1000 Genomes Project 0.00020.

Submission:

Ambry Genetics
Classification: Uncertain significance for Inborn genetic diseases. Last evaluated: 2026-01-21. Review status: criteria provided, single submitter. Criteria: Ambry Variant Classification Scheme 2023. Collection method: clinical testing. Allele origin: germline.
Comment: The c.2268A>C (p.E756D) alteration is located in exon 31 (coding exon 30) of the COL17A1 gene. This alteration results from a A to C substitution at nucleotide position 2268, causing the glutamic acid (E) at amino acid position 756 to be replaced by an aspartic acid (D). Based on data from gnomAD, the C allele has an overall frequency of <0.001% (1/251302) total alleles studied. The highest observed frequency was 0.003% (1/34590) of Latino alleles. Based on insufficient or conflicting evidence, the clinical significance of this alteration remains unclear.